The following is an entry in ClinVar:

ClinVar aggregate classification (germline): Likely pathogenic (1 of 4 stars; one submission).

Conditions:
PIEZO2-related disorder. Also called: PIEZO2-related condition; PIEZO2-related disorders.

Submission:

PreventionGenetics, part of Exact Sciences
Classification: Likely pathogenic for PIEZO2-related condition. Last evaluated: 2023-03-29. Review status: criteria provided, single submitter. Criteria: ACMG Guidelines, 2015. Collection method: clinical testing. Allele origin: germline.
Comment: The PIEZO2 c.170_174dup5 variant is predicted to result in a frameshift and premature protein termination (p.Leu59Aspfs*4). To our knowledge, this variant has not been reported in the literature or in a large population database, indicating this variant is rare. Frameshift variants in PIEZO2 are expected to be pathogenic. This variant is interpreted as likely pathogenic.

NM_001378183.1(PIEZO2):c.170_174dup (p.Leu59fs)

Gene: PIEZO2 (piezo type mechanosensitive ion channel component 2; minus strand). Cytogenetic location: 18p11.21.
Variant type: Duplication.
Coding change: c.170_174dup on transcript NM_001378183.1 (MANE Select); coding-DNA positions 170 to 174, 5 bases duplicated (GACGG; older notation c.170_174dupGACGG).
Protein change: p.Leu59fs; shifts the reading frame from leucine 59.
Molecular consequence: frameshift variant.
Genome position (GRCh38, 1-based): chr18:10,979,647-10,979,651, CCGTC duplicated on the plus strand (GACGG on the coding strand, the reverse complement: PIEZO2 is on the minus strand); duplicating any 5 consecutive bases within chr18:10,979,647-10,979,655 gives the same sequence; the c. name uses the placement nearest the transcript's 3' end. VCF-style (leftmost placement, unchanged base first): chr18-10979646-A-ACCGTC. GRCh37 (hg19) VCF-style: chr18-10979644-A-ACCGTC.
Other names: c.170_174dup, p.Leu59fs (NM_001410871.1, NM_022068.4); short protein forms L59fs.
Identifiers: ClinVar variation 2630354 (VCV002630354.1), dbSNP rs2510473419, ClinGen allele CA2695200384.